The following is an entry in ClinVar:

NM_001384140.1(PCDH15):c.3418C>T (p.His1140Tyr)

Gene: PCDH15 (protocadherin related 15; minus strand). Cytogenetic location: 10q21.1.
Variant type: single nucleotide variant.
Coding change: c.3418C>T on transcript NM_001384140.1 (MANE Select); coding-DNA position 3418, C replaced by T.
Protein change: p.His1140Tyr; replaces histidine 1140 with tyrosine.
Molecular consequence: missense variant.
Genome position (GRCh38, 1-based): chr10:53,903,326, G>A on the plus strand (C>T on the coding strand, the complement: PCDH15 is on the minus strand). VCF-style: chr10-53903326-G-A. GRCh37 (hg19) VCF-style: chr10-55663086-G-A.
Other names: c.3433C>T, p.His1145Tyr (NM_001142763.2, NM_001142771.2); c.3418C>T, p.His1140Tyr (NM_001142764.2, NM_001142766.2, NM_001142770.3 and 4 more transcripts); c.3205C>T, p.His1069Tyr (NM_001142765.2); c.3307C>T, p.His1103Tyr (NM_001142767.2); c.3352C>T, p.His1118Tyr (NM_001142768.2, NM_001142773.2, NM_001354404.2); c.3454C>T, p.His1152Tyr (NM_001142769.4); c.3439C>T, p.His1147Tyr (NM_001354411.2); short protein forms H1103Y, H1152Y, H1140Y, H1069Y, H1118Y, H1145Y, H1147Y.
Identifiers: ClinVar variation 2154162 (VCV002154162.1), dbSNP rs1457611815, ClinGen allele CA376525733.

ClinVar aggregate classification (germline): Uncertain significance (1 of 4 stars; one submission).

Allele frequency attached by ClinVar (database versions not stated): TOPMed below 0.00001; gnomAD 0.00001; gnomAD exomes 0.00001.
gnomAD v4.1: 10 of 1,612,898 alleles (0.00062%); highest among the groups gnomAD compares: Non-Finnish European, 0.00085%; no homozygotes.

Submission:

Labcorp Genetics (formerly Invitae), Labcorp
Classification: Uncertain significance. Last evaluated: 2022-01-03. Review status: criteria provided, single submitter. Criteria: Invitae Variant Classification Sherloc (09022015). Collection method: clinical testing. Allele origin: germline.
Comment: This sequence change replaces histidine, which is basic and polar, with tyrosine, which is neutral and polar, at codon 1140 of the PCDH15 protein (p.His1140Tyr). This variant is present in population databases (no rsID available, gnomAD 0.002%). This variant has not been reported in the literature in individuals affected with PCDH15-related conditions. Algorithms developed to predict the effect of missense changes on protein structure and function are either unavailable or do not agree on the potential impact of this missense change (SIFT: "Tolerated"; PolyPhen-2: "Probably Damaging"; Align-GVGD: "Class C0"). In summary, the available evidence is currently insufficient to determine the role of this variant in disease. Therefore, it has been classified as a Variant of Uncertain Significance.